The following is an entry in ClinVar:

ClinVar aggregate classification (germline): Uncertain significance. Review status: criteria provided, multiple submitters, no conflicts (2 of 4 stars). 3 submissions from 3 submitters: Uncertain significance (3). Last evaluated 2024-09-07.

Allele frequency attached by ClinVar (database versions not stated): gnomAD exomes 0.00001 and 0.00002; ExAC 0.00002.
gnomAD v4.1: 21 of 1,605,388 alleles (0.0013%); highest among the groups gnomAD compares: Non-Finnish European, 0.0018%; no homozygotes.

Submissions (3):

GeneDx
Classification: Uncertain significance. Last evaluated: 2024-09-07. Review status: criteria provided, single submitter. Criteria: GeneDx Variant Classification Process June 2021. Collection method: clinical testing. Allele origin: germline. Affected: yes.
Comment: In silico analysis supports that this missense variant has a deleterious effect on protein structure/function; Not located in the triple helical region, where the majority of pathogenic missense variants occur (HGMD); Has not been previously published as pathogenic or benign to our knowledge; This variant is associated with the following publications: (PMID: 35243755)

Labcorp Genetics (formerly Invitae), Labcorp
Classification: Uncertain significance. Last evaluated: 2023-12-02. Review status: criteria provided, single submitter. Criteria: Invitae Variant Classification Sherloc (09022015). Collection method: clinical testing. Allele origin: germline.
Comment: This sequence change replaces aspartic acid, which is acidic and polar, with glycine, which is neutral and non-polar, at codon 1219 of the COL2A1 protein (p.Asp1219Gly). This variant is present in population databases (rs751251798, gnomAD 0.004%). This variant has not been reported in the literature in individuals affected with COL2A1-related conditions. ClinVar contains an entry for this variant (Variation ID: 1314125). Advanced modeling of protein sequence and biophysical properties (such as structural, functional, and spatial information, amino acid conservation, physicochemical variation, residue mobility, and thermodynamic stability) performed at Invitae indicates that this missense variant is not expected to disrupt COL2A1 protein function with a negative predictive value of 95%. This variant disrupts the p.Asp1219 amino acid residue in COL2A1. Other variant(s) that disrupt this residue have been determined to be pathogenic (PMID: 26420734). This suggests that this residue is clinically significant, and that variants that disrupt this residue are likely to be disease-causing. In summary, the available evidence is currently insufficient to determine the role of this variant in disease. Therefore, it has been classified as a Variant of Uncertain Significance.

Revvity Omics, Revvity
Classification: Uncertain significance. Last evaluated: 2019-10-08. Review status: criteria provided, single submitter. Criteria: ACMG Guidelines, 2015. Collection method: clinical testing. Allele origin: germline.

Literature cited by the submitters: PubMed 26420734 (cited by Labcorp Genetics (formerly Invitae), Labcorp).

NM_001844.5(COL2A1):c.3656A>G (p.Asp1219Gly)

Gene: COL2A1 (collagen type II alpha 1 chain; minus strand). Cytogenetic location: 12q13.11.
Variant type: single nucleotide variant.
Coding change: c.3656A>G on transcript NM_001844.5 (MANE Select); coding-DNA position 3656, A replaced by G.
Protein change: p.Asp1219Gly; replaces aspartic acid 1219 with glycine.
Molecular consequence: missense variant.
Genome position (GRCh38, 1-based): chr12:47,975,547, T>C on the plus strand (A>G on the coding strand, the complement: COL2A1 is on the minus strand). VCF-style: chr12-47975547-T-C. GRCh37 (hg19) VCF-style: chr12-48369330-T-C.
Other names: c.3449A>G, p.Asp1150Gly (NM_033150.3); short protein forms D1150G, D1219G.
Identifiers: ClinVar variation 1314125 (VCV001314125.8), dbSNP rs751251798, ClinGen allele CA6534674.